The following is an entry in ClinVar:

ClinVar aggregate classification (germline): Benign. Review status: criteria provided, multiple submitters, no conflicts (2 of 4 stars). 2 submissions from 2 submitters: Benign (2). Last evaluated 2018-01-12.

Conditions:
Acral peeling skin syndrome. Also called: Peeling skin syndrome 2. Identifiers: Orphanet 263534, MedGen C1853354, MONDO:0012345, OMIM 609796.

Allele frequency attached by ClinVar (database versions not stated): gnomAD exomes 0.00747; gnomAD 0.04554 and 0.04835; 1000 Genomes Project 0.05192; TOPMed 0.05217; 1000 Genomes Project 30x 0.05450.
gnomAD v4.1: 9,767 of 514,540 alleles (1.9%); highest among the groups gnomAD compares: African/African-American, 15%; 679 homozygotes.

Submissions (2):

Illumina Laboratory Services, Illumina
Classification: Benign for Acral peeling skin syndrome. Last evaluated: 2018-01-12. Review status: criteria provided, single submitter. Criteria: ICSL Variant Classification Criteria 13 December 2019. Collection method: clinical testing. Allele origin: germline.
Comment: This variant was observed in the ICSL laboratory as part of a predisposition screen in an ostensibly healthy population. It had not been previously curated by ICSL or reported in the Human Gene Mutation Database (HGMD: prior to June 1st, 2018), and was therefore a candidate for classification through an automated scoring system. Utilizing variant allele frequency, disease prevalence and penetrance estimates, and inheritance mode, an automated score was calculated to assess if this variant is too frequent to cause the disease. Based on the score and internal cut-off values, a variant classified as benign is not then subjected to further curation. The score for this variant resulted in a classification of benign for this disease.

Breakthrough Genomics
Classification: Benign. Review status: criteria provided, single submitter. Criteria: ACMG Guidelines, 2015. Collection method: not provided. Allele origin: germline. Inheritance: Autosomal recessive inheritance. Affected: yes.

NM_201631.4(TGM5):c.*252C>T

Gene: TGM5 (transglutaminase 5; minus strand). Cytogenetic location: 15q15.2.
Variant type: single nucleotide variant.
Coding change: c.*252C>T on transcript NM_201631.4 (MANE Select); 252 bases downstream of the stop codon, C replaced by T.
Molecular consequence: 3 prime UTR variant.
Genome position (GRCh38, 1-based): chr15:43,232,939, G>A on the plus strand (C>T on the coding strand, the complement: TGM5 is on the minus strand). VCF-style: chr15-43232939-G-A. GRCh37 (hg19) VCF-style: chr15-43525137-G-A.
Other names: c.*252C>T (NM_004245.4).
Identifiers: ClinVar variation 316035 (VCV000316035.6), dbSNP rs7176183, ClinGen allele CA10641908.